The following is an entry in ClinVar:

NM_003680.4(YARS1):c.739_740delinsGC (p.Lys247Ala)

Genes: YARS1 (tyrosyl-tRNA synthetase 1; minus strand), LOC126805688 (BRD4-independent group 4 enhancer GRCh37_chr1:33251929-33253128; plus strand). Cytogenetic location: 1p35.1.
Variant type: Indel.
Coding change: c.739_740delinsGC on transcript NM_003680.4 (MANE Select); coding-DNA positions 739 to 740, AA replaced by GC.
Protein change: p.Lys247Ala; replaces lysine 247 with alanine.
Molecular consequence: missense variant.
Genome position (GRCh38, 1-based): chr1:32,787,020-32,787,021, TT replaced by GC on the plus strand (AA replaced by GC on the coding strand, the reverse complement: YARS1 is on the minus strand). VCF-style: chr1-32787020-TT-GC. GRCh37 (hg19) VCF-style: chr1-33252621-TT-GC.
Other names: c.739_740delAAinsGC (NM_003680.3); short protein forms K247A.
Identifiers: ClinVar variation 464879 (VCV000464879.9), dbSNP rs1553123307, ClinGen allele CA658656899.

ClinVar aggregate classification (germline): Uncertain significance (1 of 4 stars; one submission).

Conditions:
Charcot-Marie-Tooth disease dominant intermediate C (CMTDIC). Also called: CHARCOT-MARIE-TOOTH NEUROPATHY, DOMINANT INTERMEDIATE C. Identifiers: Orphanet 100045, MedGen C1842237, MONDO:0012012, OMIM 608323.

Submission:

Labcorp Genetics (formerly Invitae), Labcorp
Classification: Uncertain significance for Charcot-Marie-Tooth disease dominant intermediate C. Last evaluated: 2024-10-30. Review status: criteria provided, single submitter. Criteria: Invitae Variant Classification Sherloc (09022015). Collection method: clinical testing. Allele origin: germline.
Comment: This sequence change replaces lysine, which is basic and polar, with alanine, which is neutral and non-polar, at codon 247 of the YARS protein (p.Lys247Ala). This variant is present in population databases (no rsID available, gnomAD 0.001%). This variant has not been reported in the literature in individuals affected with YARS-related conditions. ClinVar contains an entry for this variant (Variation ID: 464879). An algorithm developed to predict the effect of missense changes on protein structure and function (PolyPhen-2) suggests that this variant is likely to be disruptive. In summary, the available evidence is currently insufficient to determine the role of this variant in disease. Therefore, it has been classified as a Variant of Uncertain Significance.